The following is an entry in ClinVar:

NM_004100.5(EYA4):c.*2685T>A

Genes: EYA4 (EYA transcriptional coactivator and phosphatase 4; plus strand), TARID (TCF21 antisense RNA inducing promoter demethylation; minus strand). Cytogenetic location: 6q23.2.
Variant type: single nucleotide variant.
Coding change: c.*2685T>A on transcript NM_004100.5 (MANE Select); 2685 bases downstream of the stop codon, T replaced by A.
Molecular consequence: 3 prime UTR variant.
Genome position (GRCh38, 1-based): chr6:133,531,490, T>A. VCF-style: chr6-133531490-T-A. GRCh37 (hg19) VCF-style: chr6-133852628-T-A.
Other names: c.*2685T>A (NM_001301012.2, NM_001301013.2, NM_001370458.1 and 3 more transcripts).
Identifiers: ClinVar variation 905714 (VCV000905714.6), dbSNP rs41286210, ClinGen allele CA12335711.

ClinVar aggregate classification (germline): Benign/Likely benign. Review status: criteria provided, multiple submitters, no conflicts (2 of 4 stars). 4 submissions from 3 submitters: Benign (1); Likely benign (3). Last evaluated 2021-05-13.

Conditions:
Dilated cardiomyopathy 1J (CMD1J). Also called: CARDIOMYOPATHY, DILATED, WITH SENSORINEURAL HEARING LOSS, AUTOSOMAL DOMINANT. Identifiers: Orphanet 217622, MedGen C1854368, MONDO:0011541, OMIM 605362.
Autosomal dominant nonsyndromic hearing loss 10. Identifiers: Orphanet 90635, MedGen C1832476, MONDO:0011031, OMIM 601316.

Allele frequency attached by ClinVar (database versions not stated): 1000 Genomes Project 0.01058; 1000 Genomes Project 30x 0.01077; gnomAD 0.01583 and 0.01638; TOPMed 0.01628; gnomAD exomes 0.01973.
gnomAD v4.1: 8,606 of 462,822 alleles (1.9%); highest among the groups gnomAD compares: Middle Eastern, 3.3%; 100 homozygotes.

Submissions (4):

GeneDx
Classification: Likely benign. Last evaluated: 2021-05-13. Review status: criteria provided, single submitter. Criteria: GeneDx Variant Classification Process June 2021. Collection method: clinical testing. Allele origin: germline. Affected: yes.

Illumina Laboratory Services, Illumina
Classification: Benign for Autosomal dominant nonsyndromic hearing loss 10. Last evaluated: 2018-01-13. Review status: criteria provided, single submitter. Criteria: ICSL Variant Classification Criteria 13 December 2019. Collection method: clinical testing. Allele origin: germline.
Comment: This variant was observed in the ICSL laboratory as part of a predisposition screen in an ostensibly healthy population. It had not been previously curated by ICSL or reported in the Human Gene Mutation Database (HGMD: prior to June 1st, 2018), and was therefore a candidate for classification through an automated scoring system. Utilizing variant allele frequency, disease prevalence and penetrance estimates, and inheritance mode, an automated score was calculated to assess if this variant is too frequent to cause the disease. Based on the score and internal cut-off values, a variant classified as benign is not then subjected to further curation. The score for this variant resulted in a classification of benign for this disease.

Illumina Laboratory Services, Illumina
Classification: Likely benign for Dilated cardiomyopathy 1J. Last evaluated: 2018-01-13. Review status: criteria provided, single submitter. Criteria: ICSL Variant Classification Criteria 13 December 2019. Collection method: clinical testing. Allele origin: germline.
Comment: This variant was observed in the ICSL laboratory as part of a predisposition screen in an ostensibly healthy population. It had not been previously curated by ICSL or reported in the Human Gene Mutation Database (HGMD: prior to June 1st, 2018), and was therefore a candidate for classification through an automated scoring system. Utilizing variant allele frequency, disease prevalence and penetrance estimates, and inheritance mode, an automated score was calculated to assess if this variant is too frequent to cause the disease. Based on the score and internal cut-off values, a variant classified as likely benign is not then subjected to further curation. The score for this variant resulted in a classification of likely benign for this disease.

Breakthrough Genomics
Classification: Likely benign. Review status: criteria provided, single submitter. Criteria: ACMG Guidelines, 2015. Collection method: not provided. Allele origin: germline. Inheritance: Autosomal dominant inheritance. Affected: yes.